The following is an entry in ClinVar:

NM_005245.4(FAT1):c.13217T>C (p.Ile4406Thr)

Genes: FAT1 (FAT atypical cadherin 1; minus strand), LOC126807253 (BRD4-independent group 4 enhancer GRCh37_chr4:187509297-187510496; plus strand). Cytogenetic location: 4q35.2.
Variant type: single nucleotide variant.
Coding change: c.13217T>C on transcript NM_005245.4 (MANE Select); coding-DNA position 13217, T replaced by C.
Protein change: p.Ile4406Thr; replaces isoleucine 4406 with threonine.
Molecular consequence: missense variant.
Genome position (GRCh38, 1-based): chr4:186,589,142, A>G on the plus strand (T>C on the coding strand, the complement: FAT1 is on the minus strand). VCF-style: chr4-186589142-A-G. GRCh37 (hg19) VCF-style: chr4-187510296-A-G.
Other names: short protein forms I4406T.
Identifiers: ClinVar variation 1339588 (VCV001339588.8), dbSNP rs372355349, ClinGen allele CA3164581.

ClinVar aggregate classification (germline): Uncertain significance. Review status: criteria provided, multiple submitters, no conflicts (2 of 4 stars). 3 submissions from 3 submitters: Uncertain significance (3). Last evaluated 2025-06-12.

Conditions:
Inborn genetic diseases. Identifiers: MedGen C0950123, MeSH D030342.

Allele frequency attached by ClinVar (database versions not stated): gnomAD exomes 0.00004 and 0.00002; TOPMed 0.00020; ExAC 0.00004; gnomAD 0.00022 and 0.00026; ESP Exome Variant Server 0.00008; 1000 Genomes Project 30x 0.00016; 1000 Genomes Project 0.00020.
gnomAD v4.1: 57 of 1,613,900 alleles (0.0035%); highest among the groups gnomAD compares: African/African-American, 0.053%; no homozygotes.

Submissions (3):

Labcorp Genetics (formerly Invitae), Labcorp
Classification: Uncertain significance. Last evaluated: 2025-06-12. Review status: criteria provided, single submitter. Criteria: Invitae Variant Classification Sherloc (09022015). Collection method: clinical testing. Allele origin: germline.
Comment: This sequence change replaces isoleucine, which is neutral and non-polar, with threonine, which is neutral and polar, at codon 4406 of the FAT1 protein (p.Ile4406Thr). This variant is present in population databases (rs372355349, gnomAD 0.05%). This variant has not been reported in the literature in individuals affected with FAT1-related conditions. ClinVar contains an entry for this variant (Variation ID: 1339588). An algorithm developed to predict the effect of missense changes on protein structure and function (PolyPhen-2) suggests that this variant is likely to be tolerated. In summary, the available evidence is currently insufficient to determine the role of this variant in disease. Therefore, it has been classified as a Variant of Uncertain Significance.

Ambry Genetics
Classification: Uncertain significance for Inborn genetic diseases. Last evaluated: 2024-09-26. Review status: criteria provided, single submitter. Criteria: Ambry Variant Classification Scheme 2023. Collection method: clinical testing. Allele origin: germline.

GeneDx
Classification: Uncertain significance. Last evaluated: 2024-03-28. Review status: criteria provided, single submitter. Criteria: GeneDx Variant Classification Process June 2021. Collection method: clinical testing. Allele origin: germline. Affected: yes.
Comment: In silico analysis supports that this missense variant does not alter protein structure/function; Has not been previously published as pathogenic or benign to our knowledge